The following is an entry in ClinVar:

NM_172362.3(KCNH1):c.262G>A (p.Glu88Lys)

Gene: KCNH1 (potassium voltage-gated channel subfamily H member 1; minus strand). Cytogenetic location: 1q32.2.
Variant type: single nucleotide variant.
Coding change: c.262G>A on transcript NM_172362.3 (MANE Select); coding-DNA position 262, G replaced by A.
Protein change: p.Glu88Lys; replaces glutamic acid 88 with lysine.
Molecular consequence: missense variant.
Genome position (GRCh38, 1-based): chr1:211,103,544, C>T on the plus strand (G>A on the coding strand, the complement: KCNH1 is on the minus strand). VCF-style: chr1-211103544-C-T. GRCh37 (hg19) VCF-style: chr1-211276886-C-T.
Other names: c.262G>A, p.Glu88Lys (NM_002238.4); short protein forms E88K.
Identifiers: ClinVar variation 2910274 (VCV002910274.3), dbSNP rs1277720253, ClinGen allele CA344873678.

ClinVar aggregate classification (germline): Uncertain significance (1 of 4 stars; one submission).

Allele frequency attached by ClinVar (database versions not stated): gnomAD exomes below 0.00001; TOPMed 0.00001.
gnomAD v4.1: 2 of 1,613,678 alleles (0.00012%); highest among the groups gnomAD compares: Admixed American, 0.0033%; no homozygotes.

Submission:

Labcorp Genetics (formerly Invitae), Labcorp
Classification: Uncertain significance. Last evaluated: 2024-01-22. Review status: criteria provided, single submitter. Criteria: Invitae Variant Classification Sherloc (09022015). Collection method: clinical testing. Allele origin: germline.
Comment: This sequence change replaces glutamic acid, which is acidic and polar, with lysine, which is basic and polar, at codon 88 of the KCNH1 protein (p.Glu88Lys). This variant is present in population databases (no rsID available, gnomAD 0.006%). This variant has not been reported in the literature in individuals affected with KCNH1-related conditions. This missense change has been observed in at least one individual who was not affected with KCNH1-related conditions (Invitae). Advanced modeling of protein sequence and biophysical properties (such as structural, functional, and spatial information, amino acid conservation, physicochemical variation, residue mobility, and thermodynamic stability) performed at Invitae indicates that this missense variant is expected to disrupt KCNH1 protein function with a positive predictive value of 95%. In summary, the available evidence is currently insufficient to determine the role of this variant in disease. Therefore, it has been classified as a Variant of Uncertain Significance.